The following is an entry in ClinVar:

NM_152564.5(VPS13B):c.4745+1G>C

Gene: VPS13B (vacuolar protein sorting 13 homolog B; plus strand). Cytogenetic location: 8q22.2.
Variant type: single nucleotide variant.
Coding change: c.4745+1G>C on transcript NM_152564.5 (MANE Select); the canonical splice donor site of the intron after coding-DNA position 4745, G replaced by C.
Molecular consequence: splice donor variant.
Genome position (GRCh38, 1-based): chr8:99,521,011, G>C. VCF-style: chr8-99521011-G-C. GRCh37 (hg19) VCF-style: chr8-100533239-G-C.
Other names: c.4820+1G>C (NM_017890.5).
Identifiers: ClinVar variation 2866855 (VCV002866855.3), dbSNP rs1469729130, ClinGen allele CA371866622.

ClinVar aggregate classification (germline): Pathogenic (1 of 4 stars; one submission).

Conditions:
Cohen syndrome (COH1). Also called: Cutis verticis gyrata, retinitis pigmentosa, and sensorineural deafness; PEPPER SYNDROME. Identifiers: Orphanet 193, MedGen C0265223, MONDO:0008999, OMIM 216550.

Submission:

Labcorp Genetics (formerly Invitae), Labcorp
Classification: Pathogenic for Cohen syndrome. Last evaluated: 2023-05-31. Review status: criteria provided, single submitter. Criteria: Invitae Variant Classification Sherloc (09022015). Collection method: clinical testing. Allele origin: germline.
Comment: For these reasons, this variant has been classified as Pathogenic. Algorithms developed to predict the effect of sequence changes on RNA splicing suggest that this variant may disrupt the consensus splice site. Disruption of this splice site has been observed in individual(s) with Cohen syndrome (PMID: 24334764). This variant is not present in population databases (gnomAD no frequency). This sequence change affects a donor splice site in intron 30 of the VPS13B gene. It is expected to disrupt RNA splicing. Variants that disrupt the donor or acceptor splice site typically lead to a loss of protein function (PMID: 16199547), and loss-of-function variants in VPS13B are known to be pathogenic (PMID: 15141358, 16648375, 20461111).

Literature cited by the submitters: PubMed 24334764; PubMed 16199547; PubMed 15141358; PubMed 16648375; PubMed 20461111.